The following is an entry in ClinVar:

ClinVar aggregate classification (germline): Conflicting classifications of pathogenicity. Review status: criteria provided, conflicting classifications (1 of 4 stars). 2 submissions from 2 submitters: Uncertain significance (1); Likely benign (1). Last evaluated 2025-12-19.

Conditions:
Hereditary cancer-predisposing syndrome. Also called: Neoplastic Syndromes, Hereditary; Hereditary Cancer Syndrome; Tumor predisposition; Hereditary neoplastic syndrome. Identifiers: Orphanet 140162, MedGen C0027672, MeSH D009386, MONDO:0015356.

Allele frequency attached by ClinVar (database versions not stated): gnomAD exomes below 0.00001.
gnomAD v4.1: 1 of 1,611,500 alleles (0.000062%); highest among the groups gnomAD compares: South Asian, 0.0011%; no homozygotes.

Submissions (2):

Labcorp Genetics (formerly Invitae), Labcorp
Classification: Uncertain significance. Last evaluated: 2025-12-19. Review status: criteria provided, single submitter. Criteria: Invitae Variant Classification Sherloc (09022015). Collection method: clinical testing. Allele origin: germline.
Comment: This sequence change replaces isoleucine, which is neutral and non-polar, with threonine, which is neutral and polar, at codon 190 of the MSH3 protein (p.Ile190Thr). This variant is not present in population databases (gnomAD no frequency). This variant has not been reported in the literature in individuals affected with MSH3-related conditions. ClinVar contains an entry for this variant (Variation ID: 1378745). An algorithm developed to predict the effect of missense changes on protein structure and function outputs the following: PolyPhen-2: "Benign". The threonine amino acid residue is found in multiple mammalian species, which suggests that this missense change does not adversely affect protein function. In summary, the available evidence is currently insufficient to determine the role of this variant in disease. Therefore, it has been classified as a Variant of Uncertain Significance.

Ambry Genetics
Classification: Likely benign for Hereditary cancer-predisposing syndrome. Last evaluated: 2025-04-28. Review status: criteria provided, single submitter. Criteria: Ambry Variant Classification Scheme 2023. Collection method: clinical testing. Allele origin: germline.

NM_002439.5(MSH3):c.569T>C (p.Ile190Thr)

Gene: MSH3 (mutS homolog 3; plus strand). Cytogenetic location: 5q14.1.
Variant type: single nucleotide variant.
Coding change: c.569T>C on transcript NM_002439.5 (MANE Select); coding-DNA position 569, T replaced by C.
Protein change: p.Ile190Thr; replaces isoleucine 190 with threonine.
Molecular consequence: missense variant.
Genome position (GRCh38, 1-based): chr5:80,665,353, T>C. VCF-style: chr5-80665353-T-C. GRCh37 (hg19) VCF-style: chr5-79961172-T-C.
Other names: c.569T>C (NM_002439.3); short protein forms I190T.
Identifiers: ClinVar variation 1378745 (VCV001378745.7), dbSNP rs2112808989, ClinGen allele CA360264595.
Genomic context (GRCh38, chr5:80,665,353, plus strand): 5'-ATGATATCAGTCTTCTACACGCAAAGAATGCAGTTTCTTCTGAAGATTCGAAACGTCAAA[T>C]TAATCAAAAGGTATGTAACTGCTATAGATGAGTATCCAGTTACCTAGAATAGTGGGTTCT-3'
Protein context (NP_002430.3, residues 180-200): AVSSEDSKRQ[Ile190Thr]NQKDTTLFDL